The following is an entry in ClinVar:

ClinVar aggregate classification (germline): Likely benign. Review status: criteria provided, multiple submitters, no conflicts (2 of 4 stars). 2 submissions from 2 submitters: Likely benign (2). Last evaluated 2025-10-02.

Conditions:
Renal cell carcinoma. Identifiers: Orphanet 217071, MedGen C0007134, MeSH D002292, MONDO:0005086, HP:0005584.
Papillary renal cell carcinoma type 1 (RCCP1). Also called: Renal adenocarcinoma; Renal cell carcinoma 1; Renal cell carcinoma, somatic; RENAL CELL CARCINOMA, PAPILLARY, 1, SOMATIC. Identifiers: Orphanet 47044, MedGen C1336839, OMIM 605074, HP:0011797.

gnomAD v4.1: 3 of 1,613,636 alleles (0.00019%); highest among the groups gnomAD compares: Admixed American, 0.0033%; no homozygotes.

Submissions (2):

Labcorp Genetics (formerly Invitae), Labcorp
Classification: Likely benign for Renal cell carcinoma. Last evaluated: 2025-10-02. Review status: criteria provided, single submitter. Criteria: Invitae Variant Classification Sherloc (09022015). Collection method: clinical testing. Allele origin: germline.

Myriad Genetics, Inc.
Classification: Likely benign for Papillary renal cell carcinoma type 1. Last evaluated: 2024-11-07. Review status: criteria provided, single submitter. Criteria: Myriad Autosomal Dominant, Autosomal Recessive and X-Linked Classification Criteria (2023). Collection method: clinical testing. Allele origin: unknown.
Comment: This variant is considered likely benign. This variant is intronic and is not expected to impact mRNA splicing.

NM_000245.4(MET):c.1201-18G>A

Gene: MET (MET proto-oncogene, receptor tyrosine kinase; plus strand). Cytogenetic location: 7q31.2.
Variant type: single nucleotide variant.
Coding change: c.1201-18G>A on transcript NM_000245.4 (MANE Select); 18 bases into the intron before coding-DNA position 1201, G replaced by A.
Molecular consequence: intron variant.
Genome position (GRCh38, 1-based): chr7:116,731,650, G>A. VCF-style: chr7-116731650-G-A. GRCh37 (hg19) VCF-style: chr7-116371704-G-A.
Other names: c.1201-18G>A (NM_001127500.3, NM_001324401.3); c.-90-18G>A (NM_001324402.2).
Identifiers: ClinVar variation 2052487 (VCV002052487.5), dbSNP rs2116778681, ClinGen allele CA2580076230.